The following is an entry in ClinVar:

NM_000535.7(PMS2):c.1548C>A (p.Ser516Arg)

Gene: PMS2 (PMS1 homolog 2, mismatch repair system component; minus strand). Cytogenetic location: 7p22.1.
Variant type: single nucleotide variant.
Coding change: c.1548C>A on transcript NM_000535.7 (MANE Select); coding-DNA position 1548, C replaced by A.
Protein change: p.Ser516Arg; replaces serine 516 with arginine.
Molecular consequence: missense variant. On other transcripts: non-coding transcript variant (1).
Genome position (GRCh38, 1-based): chr7:5,987,217, G>T on the plus strand (C>A on the coding strand, the complement: PMS2 is on the minus strand). VCF-style: chr7-5987217-G-T. GRCh37 (hg19) VCF-style: chr7-6026848-G-T.
Other names: c.1380C>A, p.Ser460Arg (NM_001406874.1); c.1239C>A, p.Ser413Arg (NM_001406875.1, NM_001406877.1, NM_001406878.1 and 5 more transcripts); c.1230C>A, p.Ser410Arg (NM_001406876.1, NM_001406883.1, NM_001322007.2 and 2 more transcripts); c.1143C>A, p.Ser381Arg (NM_001406893.1, NM_001406894.1, NM_001406895.1 and 17 more transcripts); c.1083C>A, p.Ser361Arg (NM_001406900.1); c.1074C>A, p.Ser358Arg (NM_001406901.1, NM_001406902.1); c.1392C>A, p.Ser464Arg (NM_001322006.2, NM_001406870.1); c.987C>A, p.Ser329Arg (NM_001322010.2, NM_001406906.1, NM_001406907.1); and 12 more; short protein forms S329R, S394R, S516R, S578R, S205R, S345R, S358R, S410R.
Identifiers: ClinVar variation 1969440 (VCV001969440.5), dbSNP rs1275291246, ClinGen allele CA366741613.

ClinVar aggregate classification (germline): Uncertain significance (1 of 4 stars; one submission).

Conditions:
Hereditary nonpolyposis colorectal neoplasms. Identifiers: MedGen C0009405, MeSH D003123.

Submission:

Labcorp Genetics (formerly Invitae), Labcorp
Classification: Uncertain significance for Hereditary nonpolyposis colorectal neoplasms. Last evaluated: 2025-09-15. Review status: criteria provided, single submitter. Criteria: Invitae Variant Classification Sherloc (09022015). Collection method: clinical testing. Allele origin: germline.
Comment: This sequence change replaces serine, which is neutral and polar, with arginine, which is basic and polar, at codon 516 of the PMS2 protein (p.Ser516Arg). This variant is not present in population databases (gnomAD no frequency). This variant has not been reported in the literature in individuals affected with PMS2-related conditions. ClinVar contains an entry for this variant (Variation ID: 1969440). Invitae Evidence Modeling incorporating data from in vitro experimental studies (internal data) indicates that this missense variant is not expected to disrupt PMS2 function with a negative predictive value of 95%. In summary, the available evidence is currently insufficient to determine the role of this variant in disease. Therefore, it has been classified as a Variant of Uncertain Significance.